The following is an entry in ClinVar:

ClinVar aggregate classification (germline): Likely benign. Review status: criteria provided, single submitter (1 of 4 stars). 2 submissions from 2 submitters: Likely benign (1). 1 of the submissions does not count toward it. Last evaluated 2024-02-19.

Conditions:
NEFH-related disorder. Also called: NEFH-related condition.

Allele frequency attached by ClinVar (database versions not stated): TOPMed below 0.00001; gnomAD 0.00001; gnomAD exomes 0.00001.
gnomAD v4.1: 6 of 1,445,484 alleles (0.00042%); highest among the groups gnomAD compares: Non-Finnish European, 0.00054%; no homozygotes.

Submissions (2):

Labcorp Genetics (formerly Invitae), Labcorp
Classification: Likely benign. Last evaluated: 2024-02-19. Review status: criteria provided, single submitter. Criteria: Invitae Variant Classification Sherloc (09022015). Collection method: clinical testing. Allele origin: germline.

PreventionGenetics, part of Exact Sciences
Classification: Likely benign for NEFH-related condition. Last evaluated: 2022-01-04. Review status: no assertion criteria provided. Collection method: clinical testing. Allele origin: germline. Not counted in ClinVar's aggregate classification.
Comment: This variant is classified as likely benign based on ACMG/AMP sequence variant interpretation guidelines (Richards et al. 2015 PMID: 25741868, with internal and published modifications).

NM_021076.4(NEFH):c.505C>T (p.Leu169=)

Gene: NEFH (neurofilament heavy chain; plus strand). Cytogenetic location: 22q12.2.
Variant type: single nucleotide variant.
Coding change: c.505C>T on transcript NM_021076.4 (MANE Select); coding-DNA position 505, C replaced by T.
Protein change: p.Leu169=; no amino-acid change (leucine 169 retained).
Molecular consequence: synonymous variant.
Genome position (GRCh38, 1-based): chr22:29,480,767, C>T. VCF-style: chr22-29480767-C-T. GRCh37 (hg19) VCF-style: chr22-29876756-C-T.
Identifiers: ClinVar variation 3030214 (VCV003030214.4), dbSNP rs1277092292, ClinGen allele CA514173355.